The following is an entry in ClinVar:

ClinVar aggregate classification (germline): Uncertain significance. Review status: criteria provided, multiple submitters, no conflicts (2 of 4 stars). 2 submissions from 2 submitters: Uncertain significance (2). Last evaluated 2025-01-01.

Conditions:
Autosomal dominant limb-girdle muscular dystrophy type 1D (DNAJB6) (LGMDD1). Also called: MUSCULAR DYSTROPHY, AUTOSOMAL DOMINANT, WITH RIMMED VACUOLES; MUSCULAR DYSTROPHY, LIMB-GIRDLE, TYPE 1D; Autosomal dominant limb-girdle muscular dystrophy type 1D; Muscular dystrophy, limb-girdle, autosomal dominant 1. Identifiers: Orphanet 34516, MedGen C4721885, MONDO:0021018, OMIM 603511.

Allele frequency attached by ClinVar (database versions not stated): ExAC 0.00001; gnomAD 0.00001; gnomAD exomes 0.00001; TOPMed 0.00001.
gnomAD v4.1: 5 of 1,608,930 alleles (0.00031%); highest among the groups gnomAD compares: Admixed American, 0.0085%; no homozygotes.

Submissions (2):

Labcorp Genetics (formerly Invitae), Labcorp
Classification: Uncertain significance for Autosomal dominant limb-girdle muscular dystrophy type 1D (DNAJB6). Last evaluated: 2025-01-01. Review status: criteria provided, single submitter. Criteria: Invitae Variant Classification Sherloc (09022015). Collection method: clinical testing. Allele origin: germline.
Comment: This sequence change replaces arginine, which is basic and polar, with serine, which is neutral and polar, at codon 127 of the DNAJB6 protein (p.Arg127Ser). This variant is present in population databases (rs747600463, gnomAD 0.006%). This variant has not been reported in the literature in individuals affected with DNAJB6-related conditions. ClinVar contains an entry for this variant (Variation ID: 501446). Invitae Evidence Modeling of protein sequence and biophysical properties (such as structural, functional, and spatial information, amino acid conservation, physicochemical variation, residue mobility, and thermodynamic stability) indicates that this missense variant is not expected to disrupt DNAJB6 protein function with a negative predictive value of 80%. In summary, the available evidence is currently insufficient to determine the role of this variant in disease. Therefore, it has been classified as a Variant of Uncertain Significance.

Eurofins Ntd Llc (ga)
Classification: Uncertain significance. Last evaluated: 2017-04-19. Review status: criteria provided, single submitter. Criteria: EGL Classification Definitions 2015. Collection method: clinical testing. Allele origin: germline. Observed: 1 variant allele, 1 heterozygote.

NM_058246.4(DNAJB6):c.381G>T (p.Arg127Ser)

Gene: DNAJB6 (DnaJ heat shock protein family (Hsp40) member B6; plus strand). Cytogenetic location: 7q36.3.
Variant type: single nucleotide variant.
Coding change: c.381G>T on transcript NM_058246.4 (MANE Select); coding-DNA position 381, G replaced by T.
Protein change: p.Arg127Ser; replaces arginine 127 with serine.
Molecular consequence: missense variant. On other transcripts: intron variant (1).
Genome position (GRCh38, 1-based): chr7:157,382,280, G>T. VCF-style: chr7-157382280-G-T. GRCh37 (hg19) VCF-style: chr7-157174974-G-T.
Other names: c.381G>T, p.Arg127Ser (NM_005494.3); c.346+14797G>T (NM_001363676.1); short protein forms R127S.
Identifiers: ClinVar variation 501446 (VCV000501446.13), dbSNP rs747600463, ClinGen allele CA4590504.